The following is an entry in ClinVar:

ClinVar aggregate classification (germline): Pathogenic/Likely pathogenic. Review status: criteria provided, multiple submitters, no conflicts (2 of 4 stars). 2 submissions from 2 submitters: Pathogenic (1); Likely pathogenic (1). Last evaluated 2023-12-19.

Conditions:
Trichohepatoenteric syndrome. Also called: THE SYNDROME; Syndromic diarrhea; Tricho-hepato-enteric syndrome. Identifiers: Orphanet 84064, MedGen C1857276, MONDO:0009105.

Submissions (2):

Labcorp Genetics (formerly Invitae), Labcorp
Classification: Pathogenic. Last evaluated: 2023-12-19. Review status: criteria provided, single submitter. Criteria: Invitae Variant Classification Sherloc (09022015). Collection method: clinical testing. Allele origin: germline.
Comment: This sequence change creates a premature translational stop signal (p.Lys1212Argfs*5) in the TTC37 gene. It is expected to result in an absent or disrupted protein product. Loss-of-function variants in TTC37 are known to be pathogenic (PMID: 20176027, 21120949). This variant is not present in population databases (gnomAD no frequency). This variant has not been reported in the literature in individuals affected with TTC37-related conditions. ClinVar contains an entry for this variant (Variation ID: 2504053). For these reasons, this variant has been classified as Pathogenic.

Women's Health and Genetics/Laboratory Corporation of America, LabCorp
Classification: Likely pathogenic for Trichohepatoenteric syndrome. Last evaluated: 2023-04-07. Review status: criteria provided, single submitter. Criteria: LabCorp Variant Classification Summary - May 2015. Collection method: clinical testing. Allele origin: germline.
Comment: Variant summary: TTC37 c.3635delA (p.Lys1212ArgfsX5) results in a premature termination codon, predicted to cause a truncation of the encoded protein or absence of the protein due to nonsense mediated decay, which are commonly known mechanisms for disease. Truncations downstream of this position have been classified as pathogenic by our laboratory and in ClinVar. The variant was absent in 249202 control chromosomes (gnomAD). To our knowledge, no occurrence of c.3635delA in individuals affected with Trichohepatoenteric Syndrome and no experimental evidence demonstrating its impact on protein function have been reported. No clinical diagnostic laboratories have submitted clinical-significance assessments for this variant to ClinVar after 2014. Based on the evidence outlined above, the variant was classified as likely pathogenic.

Literature cited by the submitters: PubMed 20176027 (cited by Labcorp Genetics (formerly Invitae), Labcorp); PubMed 21120949 (cited by Labcorp Genetics (formerly Invitae), Labcorp).

NM_014639.4(SKIC3):c.3635del (p.Lys1212fs)

Gene: SKIC3 (SKI3 subunit of superkiller complex; minus strand). Cytogenetic location: 5q15.
Variant type: Deletion.
Coding change: c.3635del on transcript NM_014639.4 (MANE Select); coding-DNA position 3635, one base deleted (A; older notation c.3635delA).
Protein change: p.Lys1212fs; shifts the reading frame from lysine 1212.
Molecular consequence: frameshift variant.
Genome position (GRCh38, 1-based): chr5:95,497,417, T deleted on the plus strand (A on the coding strand, the reverse complement: SKIC3 is on the minus strand); the first of 3 consecutive T bases (chr5:95,497,417-95,497,419); deleting any one gives the same sequence. VCF-style (leftmost placement, unchanged base first): chr5-95497416-CT-C. GRCh37 (hg19) VCF-style: chr5-94833120-CT-C.
Other names: c.3635delA (NM_014639.3); short protein forms K1212fs.
Identifiers: ClinVar variation 2504053 (VCV002504053.4), dbSNP rs2530717673, ClinGen allele CA2580613610.